The following is an entry in ClinVar:

NM_002439.5(MSH3):c.2874C>G (p.Asp958Glu)

Gene: MSH3 (mutS homolog 3; plus strand). Cytogenetic location: 5q14.1.
Variant type: single nucleotide variant.
Coding change: c.2874C>G on transcript NM_002439.5 (MANE Select); coding-DNA position 2874, C replaced by G.
Protein change: p.Asp958Glu; replaces aspartic acid 958 with glutamic acid.
Molecular consequence: missense variant.
Genome position (GRCh38, 1-based): chr5:80,854,190, C>G. VCF-style: chr5-80854190-C-G. GRCh37 (hg19) VCF-style: chr5-80150009-C-G.
Other names: short protein forms D958E.
Identifiers: ClinVar variation 1364318 (VCV001364318.8), dbSNP rs2112106380, ClinGen allele CA360275593.
Genomic context (GRCh38, chr5:80,854,190, plus strand): 5'-GATGGGTGCTGCAGACAATATATATAAAGGACAGAGTACATTTATGGAAGAACTGACTGA[C>G]ACAGCAGAAATAATCAGAAAAGCAACATCACAGTCCTTGGTTATCTTGGATGAACTAGGA-3'
Protein context (NP_002430.3, residues 948-968): GQSTFMEELT[Asp958Glu]TAEIIRKATS

ClinVar aggregate classification (germline): Uncertain significance (1 of 4 stars; one submission).

Submission:

Labcorp Genetics (formerly Invitae), Labcorp
Classification: Uncertain significance. Last evaluated: 2021-06-28. Review status: criteria provided, single submitter. Criteria: Invitae Variant Classification Sherloc (09022015). Collection method: clinical testing. Allele origin: germline.
Comment: This sequence change replaces aspartic acid with glutamic acid at codon 958 of the MSH3 protein (p.Asp958Glu). The aspartic acid residue is moderately conserved and there is a small physicochemical difference between aspartic acid and glutamic acid. This variant is not present in population databases (ExAC no frequency). This variant has not been reported in the literature in individuals with MSH3-related conditions. Algorithms developed to predict the effect of missense changes on protein structure and function are either unavailable or do not agree on the potential impact of this missense change (SIFT: "Deleterious"; PolyPhen-2: "Benign"; Align-GVGD: "Class C0"). In summary, the available evidence is currently insufficient to determine the role of this variant in disease. Therefore, it has been classified as a Variant of Uncertain Significance.